The following is an entry in ClinVar:

ClinVar aggregate classification (germline): Likely benign (0 of 4 stars; one submission).

Conditions:
TNC-related disorder. Also called: TNC-related condition.

Allele frequency attached by ClinVar (database versions not stated): gnomAD exomes 0.00005; gnomAD 0.00007; TOPMed 0.00010; ExAC 0.00032; 1000 Genomes Project 30x 0.00047; 1000 Genomes Project 0.00060.
gnomAD v4.1: 84 of 1,614,048 alleles (0.0052%); highest among the groups gnomAD compares: East Asian, 0.16%; no homozygotes.

Submission:

PreventionGenetics, part of Exact Sciences
Classification: Likely benign for TNC-related condition. Last evaluated: 2020-04-27. Review status: no assertion criteria provided. Collection method: clinical testing. Allele origin: germline.
Comment: This variant is classified as likely benign based on ACMG/AMP sequence variant interpretation guidelines (Richards et al. 2015 PMID: 25741868, with internal and published modifications).

NM_002160.4(TNC):c.2813T>C (p.Val938Ala)

Gene: TNC (tenascin C; minus strand). Cytogenetic location: 9q33.1.
Variant type: single nucleotide variant.
Coding change: c.2813T>C on transcript NM_002160.4 (MANE Select); coding-DNA position 2813, T replaced by C.
Protein change: p.Val938Ala; replaces valine 938 with alanine.
Molecular consequence: missense variant.
Genome position (GRCh38, 1-based): chr9:115,076,437, A>G on the plus strand (T>C on the coding strand, the complement: TNC is on the minus strand). VCF-style: chr9-115076437-A-G. GRCh37 (hg19) VCF-style: chr9-117838716-A-G.
Other names: c.2813T>C, p.Val938Ala (NM_001410991.1); short protein forms V938A.
Identifiers: ClinVar variation 3033882 (VCV003033882.2), dbSNP rs184350582, ClinGen allele CA5208423.